The following is an entry in ClinVar:

ClinVar aggregate classification (germline): Likely benign. Review status: criteria provided, multiple submitters, no conflicts (2 of 4 stars). 4 submissions from 4 submitters: Likely benign (2). 2 of the submissions do not count toward it. Last evaluated 2026-01-01.

Allele frequency attached by ClinVar (database versions not stated): 1000 Genomes Project 30x 0.00094; ExAC 0.00161.

Submissions (4):

CeGaT Center for Human Genetics Tuebingen
Classification: Likely benign. Last evaluated: 2026-01-01. Review status: criteria provided, single submitter. Criteria: CeGaT Center For Human Genetics Tuebingen Variant Classification Criteria Version 2. Collection method: clinical testing. Allele origin: germline. Affected: yes. Observed: 4 variant alleles.
Comment: FLG: BP4, BP7

Blueprint Genetics
Classification: Likely benign. Last evaluated: 2024-11-15. Review status: criteria provided, single submitter. Criteria: ACMG Guidelines, 2015. Collection method: clinical testing. Allele origin: germline.

Clinical Genetics DNA and cytogenetics Diagnostics Lab, Erasmus MC, Erasmus Medical Center
Classification: Likely benign. Review status: no assertion criteria provided. Collection method: clinical testing. Allele origin: germline. Affected: yes. Study: VKGL Data-share Consensus. Not counted in ClinVar's aggregate classification.

Joint Genome Diagnostic Labs from Nijmegen and Maastricht, Radboudumc and MUMC+
Classification: Benign. Review status: no assertion criteria provided. Collection method: clinical testing. Allele origin: germline. Affected: yes. Study: VKGL Data-share Consensus. Not counted in ClinVar's aggregate classification.

NM_002016.2(FLG):c.8187G>A (p.Gly2729=)

Genes: CCDST (cervical cancer associated DHX9 suppressive transcript; plus strand), FLG (filaggrin; minus strand). Cytogenetic location: 1q21.3.
Variant type: single nucleotide variant.
Coding change: c.8187G>A on transcript NM_002016.2 (MANE Select); coding-DNA position 8187, G replaced by A.
Protein change: p.Gly2729=; no amino-acid change (glycine 2729 retained).
Molecular consequence: synonymous variant.
Genome position (GRCh38, 1-based): chr1:152,306,699, C>T on the plus strand (G>A on the coding strand, the complement: FLG is on the minus strand). VCF-style: chr1-152306699-C-T. GRCh37 (hg19) VCF-style: chr1-152279175-C-T.
Identifiers: ClinVar variation 1297490 (VCV001297490.28), dbSNP rs755915099, ClinGen allele CA1104395.